The following is an entry in ClinVar:

NM_000551.4(VHL):c.185T>C (p.Val62Ala)

Gene: VHL (von Hippel-Lindau tumor suppressor; plus strand). Cytogenetic location: 3p25.3.
Variant type: single nucleotide variant.
Coding change: c.185T>C on transcript NM_000551.4 (MANE Select); coding-DNA position 185, T replaced by C.
Protein change: p.Val62Ala; replaces valine 62 with alanine.
Molecular consequence: missense variant.
Genome position (GRCh38, 1-based): chr3:10,142,032, T>C. VCF-style: chr3-10142032-T-C. GRCh37 (hg19) VCF-style: chr3-10183716-T-C.
Other names: c.185T>C, p.Val62Ala (NM_001354723.2, NM_198156.3); short protein forms V62A.
Identifiers: ClinVar variation 1477246 (VCV001477246.12), dbSNP rs1696127941, ClinGen allele CA351748743.

ClinVar aggregate classification (germline): Uncertain significance. Review status: criteria provided, multiple submitters, no conflicts (2 of 4 stars). 3 submissions from 3 submitters: Uncertain significance (3). Last evaluated 2024-07-29.

Conditions:
Hereditary cancer-predisposing syndrome. Also called: Hereditary neoplastic syndrome; Tumor predisposition; Neoplastic Syndromes, Hereditary; Hereditary Cancer Syndrome. Identifiers: Orphanet 140162, MedGen C0027672, MeSH D009386, MONDO:0015356.
Von Hippel-Lindau syndrome (VHLS). Also called: Von Hippel-Lindau; von Hippel–Lindau syndrome; VHL syndrome. Identifiers: Orphanet 892, MedGen C0019562, MONDO:0008667, OMIM 193300. Disease mechanism: loss of function.
Chuvash polycythemia. Also called: POLYCYTHEMIA, VHL-DEPENDENT. Identifiers: Orphanet 238557, MedGen C1837915, MONDO:0009892, OMIM 263400.

Allele frequency attached by ClinVar (database versions not stated): gnomAD exomes below 0.00001.
gnomAD v4.1: 1 of 1,599,958 alleles (0.000063%); highest among the groups gnomAD compares: Admixed American, 0.0017%; no homozygotes.

Submissions (3):

Ambry Genetics
Classification: Uncertain significance for Hereditary cancer-predisposing syndrome. Last evaluated: 2024-07-29. Review status: criteria provided, single submitter. Criteria: Ambry Variant Classification Scheme 2023. Collection method: clinical testing. Allele origin: germline.
Comment: The p.V62A variant (also known as c.185T>C), located in coding exon 1 of the VHL gene, results from a T to C substitution at nucleotide position 185. The valine at codon 62 is replaced by alanine, an amino acid with similar properties. This amino acid position is conserved. In addition, the in silico prediction for this alteration is inconclusive. Based on the available evidence, the clinical significance of this variant remains unclear.

Labcorp Genetics (formerly Invitae), Labcorp
Classification: Uncertain significance for Von Hippel-Lindau syndrome; Chuvash polycythemia. Last evaluated: 2024-03-11. Review status: criteria provided, single submitter. Criteria: Invitae Variant Classification Sherloc (09022015). Collection method: clinical testing. Allele origin: germline.
Comment: This sequence change replaces valine, which is neutral and non-polar, with alanine, which is neutral and non-polar, at codon 62 of the VHL protein (p.Val62Ala). This variant is not present in population databases (gnomAD no frequency). This variant has not been reported in the literature in individuals affected with VHL-related conditions. ClinVar contains an entry for this variant (Variation ID: 1477246). Advanced modeling of protein sequence and biophysical properties (such as structural, functional, and spatial information, amino acid conservation, physicochemical variation, residue mobility, and thermodynamic stability) has been performed at Invitae for this missense variant, however the output from this modeling did not meet the statistical confidence thresholds required to predict the impact of this variant on VHL protein function. In summary, the available evidence is currently insufficient to determine the role of this variant in disease. Therefore, it has been classified as a Variant of Uncertain Significance.

Baylor Genetics
Classification: Uncertain significance for Chuvash polycythemia. Last evaluated: 2023-05-05. Review status: criteria provided, single submitter. Criteria: ACMG Guidelines, 2015. Collection method: clinical testing. Allele origin: unknown.